The following is an entry in ClinVar:

ClinVar aggregate classification (germline): Uncertain significance (1 of 4 stars; one submission).

Submission:

Labcorp Genetics (formerly Invitae), Labcorp
Classification: Uncertain significance. Last evaluated: 2023-12-11. Review status: criteria provided, single submitter. Criteria: Invitae Variant Classification Sherloc (09022015). Collection method: clinical testing. Allele origin: germline.
Comment: This sequence change replaces glutamine, which is neutral and polar, with histidine, which is basic and polar, at codon 317 of the SAMD9 protein (p.Gln317His). This variant is not present in population databases (gnomAD no frequency). This variant has not been reported in the literature in individuals affected with SAMD9-related conditions. ClinVar contains an entry for this variant (Variation ID: 1473388). Advanced modeling of protein sequence and biophysical properties (such as structural, functional, and spatial information, amino acid conservation, physicochemical variation, residue mobility, and thermodynamic stability) performed at Invitae indicates that this missense variant is not expected to disrupt SAMD9 protein function with a negative predictive value of 95%. In summary, the available evidence is currently insufficient to determine the role of this variant in disease. Therefore, it has been classified as a Variant of Uncertain Significance.

NM_017654.4(SAMD9):c.951A>C (p.Gln317His)

Gene: SAMD9 (sterile alpha motif domain containing 9; minus strand). Cytogenetic location: 7q21.2.
Variant type: single nucleotide variant.
Coding change: c.951A>C on transcript NM_017654.4 (MANE Select); coding-DNA position 951, A replaced by C.
Protein change: p.Gln317His; replaces glutamine 317 with histidine.
Molecular consequence: missense variant.
Genome position (GRCh38, 1-based): chr7:93,105,147, T>G on the plus strand (A>C on the coding strand, the complement: SAMD9 is on the minus strand). VCF-style: chr7-93105147-T-G. GRCh37 (hg19) VCF-style: chr7-92734460-T-G.
Other names: c.951A>C, p.Gln317His (NM_001193307.2); short protein forms Q317H.
Identifiers: ClinVar variation 1473388 (VCV001473388.8), dbSNP rs1391177112, ClinGen allele CA368203133.
Genomic context (GRCh38, chr7:93,105,147, plus strand): 5'-TTTACTTTGTTCCCATATTTTGTTGTTGTAATTTTGCATTTTAATCTGGAAATAATCATA[T>G]TGGCATTCAGAGAACTGTGGAATAATGTCCACTTCAATAACAAATCTGTCAGATAGAGTA-3'
Protein context (NP_060124.2, residues 307-327): VDIIPQFSEC[Gln317His]YDYFQIKMQN